The following is an entry in ClinVar:

NM_033551.3(LARP1):c.1010_1015del (p.Phe337_Gly339delinsCys)

Gene: LARP1 (La ribonucleoprotein 1, translational regulator; plus strand). Cytogenetic location: 5q33.2.
Variant type: Deletion.
Coding change: c.1010_1015del on transcript NM_033551.3 (MANE Select); coding-DNA positions 1010 to 1015, 6 bases deleted (TCCGTG; older notation c.1010_1015delTCCGTG).
Protein change: p.Phe337_Gly339delinsCys.
Molecular consequence: inframe indel. On other transcripts: intron variant (4).
Genome position (GRCh38, 1-based): chr5:154,793,941-154,793,946, TCCGTG deleted. VCF-style (leftmost placement, unchanged base first): chr5-154793940-TTCCGTG-T. GRCh37 (hg19) VCF-style: chr5-154173500-TTCCGTG-T.
Other names: c.395_400del, p.Phe132_Gly134delinsCys (NM_001367713.1, NM_001367714.1, NM_001367719.1); c.779_784del, p.Phe260_Gly262delinsCys (NM_015315.6); c.355+40_355+45del (NM_001367716.1); c.254-159_254-154del (NM_001367715.1); c.760+19_760+24del (NM_001367717.1); c.970+40_970+45del (NM_001367718.1).
Identifiers: ClinVar variation 4879241 (VCV004879241.1).
Genomic context (GRCh38, chr5:154,793,940, plus strand): 5'-CACGACCAGGATGAGACATCGAGTGTGAAGAGTGATGGGGCTGGTGGGGCGCGGGCTTCC[TTCCGTG>T]GCCGTGGACGGGGGCGTGGTCGCGGCCGGGGACGCGGCCGGGGTGGCACTCGAAGTACGT-3'

ClinVar aggregate classification (germline): Uncertain significance (1 of 4 stars; one submission).

Conditions:
LARP1-related disorder.

Submission:

Clinical Genomics Laboratory, Washington University in St. Louis
Classification: Uncertain significance for LARP1-related disorder. Last evaluated: 2026-02-21. Review status: criteria provided, single submitter. Criteria: ACMG Guidelines, 2015. Collection method: clinical testing. Allele origin: germline.
Comment: The LARP1 c.1010_1015del (p.Phe337_Gly339delinsCys) variant, to our knowledge, has not been reported in the medical literature. This variant is only observed in 1/249,936 alleles in the general population (gnomAD v2.1.1), indicating it is not a common variant. This variant is predicted to cause a change in the length of the protein due to an in-frame deletion of two amino acids in a non-repeat region. Due to limited information, the clinical significance of this variant is uncertain.

Literature cited by the submitters: PubMed 39182167.